The following is an entry in ClinVar:

ClinVar aggregate classification (germline): Uncertain significance (1 of 4 stars; one submission).

Conditions:
Hereditary cancer-predisposing syndrome. Also called: Hereditary Cancer Syndrome; Neoplastic Syndromes, Hereditary; Tumor predisposition; Hereditary neoplastic syndrome. Identifiers: Orphanet 140162, MedGen C0027672, MeSH D009386, MONDO:0015356.

Submission:

Ambry Genetics
Classification: Uncertain significance for Hereditary cancer-predisposing syndrome. Last evaluated: 2026-06-29. Review status: criteria provided, single submitter. Criteria: Ambry Variant Classification Scheme 2023. Collection method: clinical testing. Allele origin: germline.
Comment: The p.A1479T variant (also known as c.4435G>A), located in coding exon 29 of the ALK gene, results from a G to A substitution at nucleotide position 4435. The alanine at codon 1479 is replaced by threonine, an amino acid with similar properties. This amino acid position is highly conserved in available vertebrate species. In addition, the in silico prediction for this alteration is inconclusive. Based on the available evidence, the clinical significance of this variant remains unclear.

NM_004304.5(ALK):c.4435G>A (p.Ala1479Thr)

Gene: ALK (ALK receptor tyrosine kinase; minus strand). Cytogenetic location: 2p23.2.
Variant type: single nucleotide variant.
Coding change: c.4435G>A on transcript NM_004304.5 (MANE Select); coding-DNA position 4435, G replaced by A.
Protein change: p.Ala1479Thr; replaces alanine 1479 with threonine.
Molecular consequence: missense variant.
Genome position (GRCh38, 1-based): chr2:29,193,652, C>T on the plus strand (G>A on the coding strand, the complement: ALK is on the minus strand). VCF-style: chr2-29193652-C-T. GRCh37 (hg19) VCF-style: chr2-29416518-C-T.
Other names: c.1231G>A, p.Ala411Thr (NM_001353765.2); short protein forms A1479T, A411T.
Identifiers: ClinVar variation 5035072 (VCV005035072.1).